The following is an entry in ClinVar:

NM_001614.5(ACTG1):c.123G>A (p.Gln41=)

Gene: ACTG1 (actin gamma 1; minus strand). Cytogenetic location: 17q25.3.
Variant type: single nucleotide variant.
Coding change: c.123G>A on transcript NM_001614.5 (MANE Select); coding-DNA position 123, G replaced by A.
Protein change: p.Gln41=; no amino-acid change (glutamine 41 retained).
Molecular consequence: synonymous variant. On other transcripts: non-coding transcript variant (1).
Genome position (GRCh38, 1-based): chr17:81,512,232, C>T on the plus strand (G>A on the coding strand, the complement: ACTG1 is on the minus strand). VCF-style: chr17-81512232-C-T. GRCh37 (hg19) VCF-style: chr17-79479258-C-T.
Other names: c.123G>A, p.Gln41= (NM_001199954.3).
Identifiers: ClinVar variation 2648459 (VCV002648459.25), dbSNP rs2544392831, ClinGen allele CA502420014.

ClinVar aggregate classification (germline): Conflicting classifications of pathogenicity. Review status: criteria provided, conflicting classifications (1 of 4 stars). 2 submissions from 2 submitters: Uncertain significance (1); Likely benign (1). Last evaluated 2024-06-04.

Conditions:
Autosomal dominant nonsyndromic hearing loss 20. Identifiers: Orphanet 90635, MedGen C1858172, MONDO:0011480, OMIM 604717.
Baraitser-winter syndrome 2. Identifiers: Orphanet 2995, MedGen C3281235, MONDO:0013812, OMIM 614583.

Submissions (2):

Fulgent Genetics
Classification: Uncertain significance for Autosomal dominant nonsyndromic hearing loss 20; Baraitser-winter syndrome 2. Last evaluated: 2024-06-04. Review status: criteria provided, single submitter. Criteria: ACMG Guidelines, 2015. Collection method: clinical testing. Allele origin: germline.

CeGaT Center for Human Genetics Tuebingen
Classification: Likely benign. Last evaluated: 2023-04-01. Review status: criteria provided, single submitter. Criteria: CeGaT Center For Human Genetics Tuebingen Variant Classification Criteria Version 2. Collection method: clinical testing. Allele origin: germline. Affected: yes. Observed: 1 variant allele.
Comment: ACTG1: PM2:Supporting, BP4, BP7